The following is an entry in ClinVar:

ClinVar aggregate classification (germline): Uncertain significance (1 of 4 stars; one submission).

Conditions:
Hereditary cancer-predisposing syndrome. Also called: Tumor predisposition; Hereditary neoplastic syndrome; Hereditary Cancer Syndrome; Neoplastic Syndromes, Hereditary. Identifiers: Orphanet 140162, MedGen C0027672, MeSH D009386, MONDO:0015356.

Submission:

Ambry Genetics
Classification: Uncertain significance for Hereditary cancer-predisposing syndrome. Last evaluated: 2025-03-17. Review status: criteria provided, single submitter. Criteria: Ambry Variant Classification Scheme 2023. Collection method: clinical testing. Allele origin: germline.
Comment: The p.D1902E variant (also known as c.5706T>A), located in coding exon 37 of the ATM gene, results from a T to A substitution at nucleotide position 5706. The aspartic acid at codon 1902 is replaced by glutamic acid, an amino acid with highly similar properties. This amino acid position is conserved. In addition, this alteration is predicted to be tolerated by in silico analysis. Based on the available evidence, the clinical significance of this variant remains unclear.

NM_000051.4(ATM):c.5706T>A (p.Asp1902Glu)

Gene: ATM (ATM serine/threonine kinase; plus strand). Cytogenetic location: 11q22.3.
Variant type: single nucleotide variant.
Coding change: c.5706T>A on transcript NM_000051.4 (MANE Select); coding-DNA position 5706, T replaced by A.
Protein change: p.Asp1902Glu; replaces aspartic acid 1902 with glutamic acid.
Molecular consequence: missense variant.
Genome position (GRCh38, 1-based): chr11:108,307,928, T>A. VCF-style: chr11-108307928-T-A. GRCh37 (hg19) VCF-style: chr11-108178655-T-A.
Other names: c.5706T>A, p.Asp1902Glu (NM_001351834.2); short protein forms D1902E.
Identifiers: ClinVar variation 3965853 (VCV003965853.1).
Genomic context (GRCh38, chr11:108,307,928, plus strand): 5'-GACTGAGGGGAGATATTTTTGTTTGTCAGAGTCAGAGCACTTTTTCCGATGCTGTTTGGA[T>A]AAAAAATCACAAAGAACAATGCTTGCTGTTGTGGACTACATGAGAAGACAAAAGAGGTAA-3'
Protein context (NP_000042.3, residues 1892-1912): ESEHFFRCCL[Asp1902Glu]KKSQRTMLAV